The following is an entry in ClinVar:

NM_172250.3(MMAA):c.586dup (p.Arg196fs)

Gene: MMAA (metabolism of cobalamin associated A; plus strand). Cytogenetic location: 4q31.21.
Variant type: Duplication.
Coding change: c.586dup on transcript NM_172250.3 (MANE Select); coding-DNA position 586, one base duplicated (C; older notation c.586dupC).
Protein change: p.Arg196fs; shifts the reading frame from arginine 196.
Molecular consequence: frameshift variant.
Genome position (GRCh38, 1-based): chr4:145,646,009, C duplicated; the last of 3 consecutive C bases (chr4:145,646,007-145,646,009); duplicating any one gives the same sequence. VCF-style (leftmost placement, unchanged base first): chr4-145646006-A-AC. GRCh37 (hg19) VCF-style: chr4-146567158-A-AC.
Other names: c.586dup, p.Arg196fs (NM_001375644.1); short protein forms R196fs.
Identifiers: ClinVar variation 5011814 (VCV005011814.1).

ClinVar aggregate classification (germline): Pathogenic (1 of 4 stars; one submission).

Conditions:
Methylmalonic aciduria, cblA type (MACA). Also called: Methylmalonic aciduria, vitamin b12-responsive, due to defect in synthesis of adenosylcobalamin, cbla complementation type; MMA cbl A type; Methylmalonic acidemia cblA type; Methylmalonic aciduria, vitamin B12-responsive; Vitamin B12-responsive methylmalonic acidemia type cblA. Identifiers: Orphanet 28, Orphanet 79310, MedGen C1855109, MONDO:0009613, OMIM 251100.

Submission:

Myriad Genetics, Inc.
Classification: Pathogenic for Methylmalonic aciduria, cblA type. Last evaluated: 2023-09-27. Review status: criteria provided, single submitter. Criteria: Myriad Autosomal Dominant, Autosomal Recessive and X-Linked Classification Criteria (2023). Collection method: clinical testing. Allele origin: unknown.
Comment: NM_172250.2(MMAA):c.586dupC(R196Pfs*4) is expected to be pathogenic in the context of methylmalonic acidemia, cblA type. This variant is predicted to lead to an abnormal or absent protein product due to the creation of a premature termination codon in MMAA, a gene where loss-of-function variants are known to be pathogenic. Please note: this variant was assessed in the context of healthy population screening.